The following is an entry in ClinVar:

ClinVar aggregate classification (germline): Uncertain significance. Review status: criteria provided, multiple submitters, no conflicts (2 of 4 stars). 3 submissions from 3 submitters: Uncertain significance (2). 1 of the submissions does not count toward it. Last evaluated 2024-10-08.

Conditions:
Retinal dystrophy. Also called: Inherited retinal dystrophy. Identifiers: Orphanet 71862, MedGen C0854723, MeSH D058499, MONDO:0019118, HP:0000556.
Inborn genetic diseases. Identifiers: MedGen C0950123, MeSH D030342.

Allele frequency attached by ClinVar (database versions not stated): TOPMed below 0.00001.
gnomAD v4.1: 2 of 1,613,860 alleles (0.00012%); highest among the groups gnomAD compares: African/African-American, 0.0027%; no homozygotes.

Submissions (3):

Ambry Genetics
Classification: Uncertain significance for Inborn genetic diseases. Last evaluated: 2024-10-08. Review status: criteria provided, single submitter. Criteria: Ambry Variant Classification Scheme 2023. Collection method: clinical testing. Allele origin: germline.

Labcorp Genetics (formerly Invitae), Labcorp
Classification: Uncertain significance. Last evaluated: 2024-06-19. Review status: criteria provided, single submitter. Criteria: Invitae Variant Classification Sherloc (09022015). Collection method: clinical testing. Allele origin: germline.
Comment: This sequence change replaces aspartic acid, which is acidic and polar, with glycine, which is neutral and non-polar, at codon 1003 of the RP1 protein (p.Asp1003Gly). This variant is not present in population databases (gnomAD no frequency). This variant has not been reported in the literature in individuals affected with RP1-related conditions. ClinVar contains an entry for this variant (Variation ID: 967093). An algorithm developed to predict the effect of missense changes on protein structure and function (PolyPhen-2) suggests that this variant is likely to be tolerated. In summary, the available evidence is currently insufficient to determine the role of this variant in disease. Therefore, it has been classified as a Variant of Uncertain Significance.

Institute of Human Genetics, Univ. Regensburg, Univ. Regensburg
Classification: Uncertain significance for Retinal dystrophy. Last evaluated: 2022-01-01. Review status: no assertion criteria provided. Criteria: ACMG Guidelines, 2015. Collection method: clinical testing. Allele origin: germline. Affected: yes. Not counted in ClinVar's aggregate classification.

NM_006269.2(RP1):c.3008A>G (p.Asp1003Gly)

Gene: RP1 (RP1 axonemal microtubule associated; plus strand). Cytogenetic location: 8q12.1.
Variant type: single nucleotide variant.
Coding change: c.3008A>G on transcript NM_006269.2 (MANE Select); coding-DNA position 3008, A replaced by G.
Protein change: p.Asp1003Gly; replaces aspartic acid 1003 with glycine.
Molecular consequence: missense variant. On other transcripts: intron variant (1).
Genome position (GRCh38, 1-based): chr8:54,626,890, A>G. VCF-style: chr8-54626890-A-G. GRCh37 (hg19) VCF-style: chr8-55539450-A-G.
Other names: c.787+4602A>G (NM_001375654.1); short protein forms D1003G.
Identifiers: ClinVar variation 967093 (VCV000967093.11), dbSNP rs1806073071, ClinGen allele CA370995110.
Genomic context (GRCh38, chr8:54,626,890, plus strand): 5'-GAGATAATCTATGTAAAGAGGGAGATAAGTCTTTTATTGCCAATGACACTGGTGAAGAAG[A>G]TCTCCATGAGACACAGGTTGGATCTCTGAATGATGCTTATTTGGTTCCCCTGCATGAACA-3'
Protein context (NP_006260.1, residues 993-1013): SFIANDTGEE[Asp1003Gly]LHETQVGSLN